The following is an entry in ClinVar:

ClinVar aggregate classification (germline): Uncertain significance (1 of 4 stars; one submission).

Conditions:
TLR3-related disorder. Also called: TLR3-related condition.

Allele frequency attached by ClinVar (database versions not stated): gnomAD exomes 0.00002.
gnomAD v4.1: 9 of 1,614,222 alleles (0.00056%); highest among the groups gnomAD compares: Middle Eastern, 0.15%; 1 homozygote.

Submission:

PreventionGenetics, part of Exact Sciences
Classification: Uncertain significance for TLR3-related condition. Last evaluated: 2023-01-04. Review status: criteria provided, single submitter. Criteria: ACMG Guidelines, 2015. Collection method: clinical testing. Allele origin: germline.
Comment: The TLR3 c.1478A>G variant is predicted to result in the amino acid substitution p.Lys493Arg. To our knowledge, this variant has not been reported in the literature or in a large population database, indicating this variant is rare. At this time, the clinical significance of this variant is uncertain due to the absence of conclusive functional and genetic evidence.

NM_003265.3(TLR3):c.1478A>G (p.Lys493Arg)

Gene: TLR3 (toll like receptor 3; plus strand). Cytogenetic location: 4q35.1.
Variant type: single nucleotide variant.
Coding change: c.1478A>G on transcript NM_003265.3 (MANE Select); coding-DNA position 1478, A replaced by G.
Protein change: p.Lys493Arg; replaces lysine 493 with arginine.
Molecular consequence: missense variant.
Genome position (GRCh38, 1-based): chr4:186,083,164, A>G. VCF-style: chr4-186083164-A-G. GRCh37 (hg19) VCF-style: chr4-187004318-A-G.
Other names: short protein forms K493R.
Identifiers: ClinVar variation 2636061 (VCV002636061.1), dbSNP rs867445555, ClinGen allele CA112098210.
Genomic context (GRCh38, chr4:186,083,164, plus strand): 5'-GGAACTCCTTTGCCTTGGTCCCAAGCCTTCAACGACTGATGCTCCGAAGGGTGGCCCTTA[A>G]AAATGTGGATAGCTCTCCTTCACCATTCCAGCCTCTTCGTAACTTGACCATTCTGGATCT-3'
Protein context (NP_003256.1, residues 483-503): QRLMLRRVAL[Lys493Arg]NVDSSPSPFQ